The following is an entry in ClinVar:

NM_001267550.2(TTN):c.26091A>T (p.Leu8697=)

Gene: TTN (titin; minus strand). Cytogenetic location: 2q31.2.
Variant type: single nucleotide variant.
Coding change: c.26091A>T on transcript NM_001267550.2 (MANE Select); coding-DNA position 26091, A replaced by T.
Protein change: p.Leu8697=; no amino-acid change (leucine 8697 retained).
Molecular consequence: synonymous variant. On other transcripts: intron variant (3).
Genome position (GRCh38, 1-based): chr2:178,715,095, T>A on the plus strand (A>T on the coding strand, the complement: TTN is on the minus strand). VCF-style: chr2-178715095-T-A. GRCh37 (hg19) VCF-style: chr2-179579822-T-A.
Other names: p.L8380L:CTA>CTT; p.Leu7453=; c.25140A>T, p.Leu8380= (NM_001256850.1); c.22359A>T, p.Leu7453= (NM_133378.4); c.13282+22987A>T (NM_003319.4); c.13858+22987A>T (NM_133437.4); c.13657+22987A>T (NM_133432.3).
Identifiers: ClinVar variation 46773 (VCV000046773.36), dbSNP rs2562836, ClinGen allele CA282960.

ClinVar aggregate classification (germline): Benign. Review status: criteria provided, multiple submitters, no conflicts (2 of 4 stars). 23 submissions from 16 submitters: Benign (21). 2 of the submissions do not count toward it. Last evaluated 2026-02-04.

Conditions:
Dilated cardiomyopathy 1G (CMD1G). Identifiers: Orphanet 154, MedGen C1858763, MONDO:0011400, OMIM 604145.
Autosomal recessive limb-girdle muscular dystrophy type 2J (LGMDR10). Also called: MUSCULAR DYSTROPHY, LIMB-GIRDLE, AUTOSOMAL RECESSIVE 10; Limb-girdle muscular dystrophy, type 2J. Identifiers: Orphanet 140922, MedGen C1837342, MONDO:0012127, OMIM 608807.
Cardiovascular phenotype. Identifiers: MedGen CN230736.
Early-onset myopathy with fatal cardiomyopathy (CMYO5). Also called: CONGENITAL MYOPATHY 5 WITH CARDIOMYOPATHY; Salih Myopathy. Identifiers: Orphanet 289377, MedGen C2673677, MONDO:0012714, OMIM 611705. Disease mechanism: loss of function.
Myopathy, myofibrillar, 9, with early respiratory failure (MFM9). Also called: Myopathy, distal, with early respiratory failure, autosomal dominant; Hereditary myopathy with early respiratory failure; MYOPATHY, PROXIMAL, WITH EARLY RESPIRATORY MUSCLE INVOLVEMENT; EDSTROM MYOPATHY. Identifiers: Orphanet 178464, Orphanet 34521, MedGen C1863599, MONDO:0011362, OMIM 603689.
Tibial muscular dystrophy (TMD). Also called: Udd Distal Myopathy – Tibial Muscular Dystrophy; Tibial muscular dystrophy, tardive; UDD MYOPATHY. Identifiers: Orphanet 609, MedGen C1838244, MONDO:0010870, OMIM 600334.

Allele frequency attached by ClinVar (database versions not stated): TOPMed 0.32389; gnomAD exomes 0.24006 and 0.30872; gnomAD 0.29823 and 0.30451; ESP Exome Variant Server 0.26432; ExAC 0.30620; 1000 Genomes Project 30x 0.43957; 1000 Genomes Project 0.44449.
gnomAD v4.1: 398,668 of 1,613,490 alleles (25%); highest among the groups gnomAD compares: East Asian, 65%; 58,221 homozygotes.

Submissions (23):

Labcorp Genetics (formerly Invitae), Labcorp
Classification: Benign for Dilated cardiomyopathy 1G; Autosomal recessive limb-girdle muscular dystrophy type 2J. Last evaluated: 2026-02-04. Review status: criteria provided, single submitter. Criteria: Invitae Variant Classification Sherloc (09022015). Collection method: clinical testing. Allele origin: germline.

Molecular Diagnostic Laboratory for Inherited Cardiovascular Disease, Montreal Heart Institute
Classification: Benign. Last evaluated: 2025-04-09. Review status: criteria provided, single submitter. Criteria: ACMG Guidelines, 2015. Collection method: clinical testing. Allele origin: germline. Affected: no.

Genome-Nilou Lab
Classification: Benign for Autosomal recessive limb-girdle muscular dystrophy type 2J. Last evaluated: 2021-09-10. Review status: criteria provided, single submitter. Criteria: ACMG Guidelines, 2015. Collection method: clinical testing. Allele origin: germline. Affected: no.

Genome-Nilou Lab
Classification: Benign for Myopathy, myofibrillar, 9, with early respiratory failure. Last evaluated: 2021-09-10. Review status: criteria provided, single submitter. Criteria: ACMG Guidelines, 2015. Collection method: clinical testing. Allele origin: germline. Affected: no.

Genome-Nilou Lab
Classification: Benign for Early-onset myopathy with fatal cardiomyopathy. Last evaluated: 2021-09-10. Review status: criteria provided, single submitter. Criteria: ACMG Guidelines, 2015. Collection method: clinical testing. Allele origin: germline. Affected: no.

Genome-Nilou Lab
Classification: Benign for Tibial muscular dystrophy. Last evaluated: 2021-09-10. Review status: criteria provided, single submitter. Criteria: ACMG Guidelines, 2015. Collection method: clinical testing. Allele origin: germline. Affected: no.

Women's Health and Genetics/Laboratory Corporation of America, LabCorp
Classification: Benign. Last evaluated: 2019-08-16. Review status: criteria provided, single submitter. Criteria: LabCorp Variant Classification Summary - May 2015. Collection method: clinical testing. Allele origin: germline.

Athena Diagnostics
Classification: Benign. Last evaluated: 2018-09-24. Review status: criteria provided, single submitter. Criteria: Athena Diagnostics Criteria. Collection method: clinical testing. Allele origin: germline.

Illumina Laboratory Services, Illumina
Classification: Benign for Dilated cardiomyopathy 1G. Last evaluated: 2018-01-12. Review status: criteria provided, single submitter. Criteria: ICSL Variant Classification Criteria 13 December 2019. Collection method: clinical testing. Allele origin: germline.
Comment: This variant was observed in the ICSL laboratory as part of a predisposition screen in an ostensibly healthy population. It had not been previously curated by ICSL or reported in the Human Gene Mutation Database (HGMD: prior to June 1st, 2018), and was therefore a candidate for classification through an automated scoring system. Utilizing variant allele frequency, disease prevalence and penetrance estimates, and inheritance mode, an automated score was calculated to assess if this variant is too frequent to cause the disease. Based on the score and internal cut-off values, a variant classified as benign is not then subjected to further curation. The score for this variant resulted in a classification of benign for this disease.

Illumina Laboratory Services, Illumina
Classification: Benign for Early-onset myopathy with fatal cardiomyopathy. Last evaluated: 2018-01-12. Review status: criteria provided, single submitter. Criteria: ICSL Variant Classification Criteria 13 December 2019. Collection method: clinical testing. Allele origin: germline.
Comment: the same text as in the submission from Illumina Laboratory Services, Illumina above.

Illumina Laboratory Services, Illumina
Classification: Benign for Myopathy, myofibrillar, 9, with early respiratory failure. Last evaluated: 2018-01-12. Review status: criteria provided, single submitter. Criteria: ICSL Variant Classification Criteria 13 December 2019. Collection method: clinical testing. Allele origin: germline.
Comment: the same text as in the submission from Illumina Laboratory Services, Illumina above.

Illumina Laboratory Services, Illumina
Classification: Benign for Autosomal recessive limb-girdle muscular dystrophy type 2J. Last evaluated: 2018-01-12. Review status: criteria provided, single submitter. Criteria: ICSL Variant Classification Criteria 13 December 2019. Collection method: clinical testing. Allele origin: germline.
Comment: the same text as in the submission from Illumina Laboratory Services, Illumina above.

Illumina Laboratory Services, Illumina
Classification: Benign for Tibial muscular dystrophy. Last evaluated: 2018-01-12. Review status: criteria provided, single submitter. Criteria: ICSL Variant Classification Criteria 13 December 2019. Collection method: clinical testing. Allele origin: germline.
Comment: the same text as in the submission from Illumina Laboratory Services, Illumina above.

Mayo Clinic Laboratories, Mayo Clinic
Classification: Benign. Last evaluated: 2017-08-24. Review status: criteria provided, single submitter. Criteria: ACMG Guidelines, 2015. Collection method: clinical testing. Allele origin: germline. Observed: 1,079 variant alleles.

Eurofins Ntd Llc (ga)
Classification: Benign. Last evaluated: 2014-05-21. Review status: criteria provided, single submitter. Criteria: EGL Classification Definitions 2015. Collection method: clinical testing. Allele origin: germline. Observed: 1 variant allele, 1 homozygote.

Genetic Services Laboratory, University of Chicago
Classification: Benign for AllHighlyPenetrant. Last evaluated: 2013-08-15. Review status: criteria provided, single submitter. Criteria: ACMG Guidelines, 2007. Collection method: clinical testing. Allele origin: germline.

Ambry Genetics
Classification: Benign for Cardiovascular phenotype. Last evaluated: 2013-01-14. Review status: criteria provided, single submitter. Criteria: Ambry Autosomal Dominant and X-Linked criteria (10/2015). Collection method: clinical testing. Allele origin: germline. Observed: 1 variant allele.

GeneDx
Classification: Benign. Last evaluated: 2012-10-31. Review status: criteria provided, single submitter. Criteria: GeneDx Variant Classification (06012015). Collection method: clinical testing. Allele origin: germline. Affected: yes.
Comment: This variant is considered likely benign or benign based on one or more of the following criteria: it is a conservative change, it occurs at a poorly conserved position in the protein, it is predicted to be benign by multiple in silico algorithms, and/or has population frequency not consistent with disease.

Laboratory for Molecular Medicine, Mass General Brigham Personalized Medicine
Classification: Benign. Last evaluated: 2011-09-27. Review status: criteria provided, single submitter. Criteria: LMM Criteria. Collection method: clinical testing. Allele origin: germline. Observed: 855 variant alleles.

Breakthrough Genomics
Classification: Benign. Review status: criteria provided, single submitter. Criteria: ACMG Guidelines, 2015. Collection method: not provided. Allele origin: germline. Inheritance: Autosomal recessive inheritance. Affected: yes.

PreventionGenetics, part of Exact Sciences
Classification: Benign. Review status: criteria provided, single submitter. Criteria: ACMG Guidelines, 2015. Collection method: clinical testing. Allele origin: germline.

Clinical Genetics DNA and cytogenetics Diagnostics Lab, Erasmus MC, Erasmus Medical Center
Classification: Benign. Review status: no assertion criteria provided. Collection method: clinical testing. Allele origin: germline. Affected: yes. Study: VKGL Data-share Consensus. Not counted in ClinVar's aggregate classification.

Clinical Genetics, Academic Medical Center
Classification: Benign. Review status: no assertion criteria provided. Collection method: clinical testing. Allele origin: germline. Affected: yes. Study: VKGL Data-share Consensus. Not counted in ClinVar's aggregate classification.